The following is an entry in ClinVar:

ClinVar aggregate classification (germline): Likely benign. Review status: criteria provided, multiple submitters, no conflicts (2 of 4 stars). 5 submissions from 5 submitters: Likely benign (4). 1 of the submissions does not count toward it. Last evaluated 2026-01-12.

Conditions:
Inborn genetic diseases. Identifiers: MedGen C0950123, MeSH D030342.
Hypoplastic pancreas-intestinal atresia-hypoplastic gallbalder syndrome. Also called: DIABETES, NEONATAL, WITH PANCREATIC HYPOPLASIA, INTESTINAL ATRESIA, AND GALLBLADDER APLASIA OR HYPOPLASIA; Mitchell-Riley syndrome. Identifiers: Orphanet 293864, MedGen C2748662, MONDO:0017400, OMIM 615710.
RFX6-related disorder. Also called: RFX6-related condition.

Allele frequency attached by ClinVar (database versions not stated): ESP Exome Variant Server 0.00008; gnomAD exomes 0.00016 and 0.00025; TOPMed 0.00017; gnomAD 0.00018 and 0.00019; ExAC 0.00022.
gnomAD v4.1: 381 of 1,612,270 alleles (0.024%); highest among the groups gnomAD compares: Non-Finnish European, 0.03%; no homozygotes.

Submissions (5):

Labcorp Genetics (formerly Invitae), Labcorp
Classification: Likely benign. Last evaluated: 2026-01-12. Review status: criteria provided, single submitter. Criteria: Invitae Variant Classification Sherloc (09022015). Collection method: clinical testing. Allele origin: germline.

ARUP Laboratories, Molecular Genetics and Genomics, ARUP Laboratories
Classification: Likely benign for Hypoplastic pancreas-intestinal atresia-hypoplastic gallbalder syndrome. Last evaluated: 2025-05-29. Review status: criteria provided, single submitter. Criteria: ARUP Molecular Germline Variant Investigation Process 2024. Collection method: clinical testing. Allele origin: germline.

CeGaT Center for Human Genetics Tuebingen
Classification: Likely benign. Last evaluated: 2024-04-01. Review status: criteria provided, single submitter. Criteria: CeGaT Center For Human Genetics Tuebingen Variant Classification Criteria Version 2. Collection method: clinical testing. Allele origin: germline. Affected: yes. Observed: 2 variant alleles.
Comment: RFX6: BP4, BP7

Ambry Genetics
Classification: Likely benign for Inborn genetic diseases. Last evaluated: 2023-12-27. Review status: criteria provided, single submitter. Criteria: Ambry Variant Classification Scheme 2023. Collection method: clinical testing. Allele origin: germline.

PreventionGenetics, part of Exact Sciences
Classification: Likely benign for RFX6-related condition. Last evaluated: 2019-12-13. Review status: no assertion criteria provided. Collection method: clinical testing. Allele origin: germline. Not counted in ClinVar's aggregate classification.
Comment: This variant is classified as likely benign based on ACMG/AMP sequence variant interpretation guidelines (Richards et al. 2015 PMID: 25741868, with internal and published modifications).

NM_173560.4(RFX6):c.507A>T (p.Thr169=)

Gene: RFX6 (regulatory factor X6; plus strand). Cytogenetic location: 6q22.1.
Variant type: single nucleotide variant.
Coding change: c.507A>T on transcript NM_173560.4 (MANE Select); coding-DNA position 507, A replaced by T.
Protein change: p.Thr169=; no amino-acid change (threonine 169 retained).
Molecular consequence: synonymous variant.
Genome position (GRCh38, 1-based): chr6:116,882,369, A>T. VCF-style: chr6-116882369-A-T. GRCh37 (hg19) VCF-style: chr6-117203532-A-T.
Other names: c.507A>T (NM_173560.3).
Identifiers: ClinVar variation 1650999 (VCV001650999.35), dbSNP rs151067974, ClinGen allele CA3973043.
Genomic context (GRCh38, chr6:116,882,369, plus strand): 5'-TGGCTTGCATTAGGACCATATACTTTCTAACGCCTAAAGTAATCATCTTTCTTTTTAGAC[A>T]ATTCGCCAGAAGTTTCCCCTCCTAACAACAAGGCGGCTTGGAACAAGAGGCCATTCAAAG-3'
Protein context (NP_775831.2, residues 159-179): EPACAATFGK[Thr169=]IRQKFPLLTT